The following is an entry in ClinVar:

NM_016169.4(SUFU):c.318-7C>G

Gene: SUFU (SUFU negative regulator of hedgehog signaling; plus strand). Cytogenetic location: 10q24.32.
Variant type: single nucleotide variant.
Coding change: c.318-7C>G on transcript NM_016169.4 (MANE Select); 7 bases into the intron before coding-DNA position 318, C replaced by G.
Molecular consequence: intron variant.
Genome position (GRCh38, 1-based): chr10:102,549,963, C>G. VCF-style: chr10-102549963-C-G. GRCh37 (hg19) VCF-style: chr10-104309720-C-G.
Other names: c.318-7C>G (NM_001178133.2).
Identifiers: ClinVar variation 748648 (VCV000748648.13), dbSNP rs751778806, ClinGen allele CA5667658.

ClinVar aggregate classification (germline): Likely benign. Review status: criteria provided, single submitter (1 of 4 stars). 2 submissions from 2 submitters: Likely benign (1). 1 of the submissions does not count toward it. Last evaluated 2024-10-29.

Conditions:
SUFU-related disorder. Also called: SUFU-related condition; SUFU-related disorders.
Gorlin syndrome. Also called: Basal cell nevus syndrome; Nevoid Basal Cell Carcinoma Syndrome. Identifiers: Orphanet 377, MedGen C0004779, MONDO:0007187.
Medulloblastoma (MDB). Also called: MEDULLOBLASTOMA PREDISPOSITION SYNDROME; Medulloblastoma, somatic. Identifiers: Orphanet 616, MedGen C0025149, MeSH D008527, MONDO:0007959, OMIM 155255, HP:0002885.

Allele frequency attached by ClinVar (database versions not stated): TOPMed below 0.00001; ExAC 0.00001; gnomAD exomes 0.00001 and 0.00003.
gnomAD v4.1: 45 of 1,614,154 alleles (0.0028%); highest among the groups gnomAD compares: Non-Finnish European, 0.0038%; no homozygotes.

Submissions (2):

Labcorp Genetics (formerly Invitae), Labcorp
Classification: Likely benign for Gorlin syndrome; Medulloblastoma. Last evaluated: 2024-10-29. Review status: criteria provided, single submitter. Criteria: Invitae Variant Classification Sherloc (09022015). Collection method: clinical testing. Allele origin: germline.

PreventionGenetics, part of Exact Sciences
Classification: Likely benign for SUFU-related condition. Last evaluated: 2022-04-10. Review status: no assertion criteria provided. Collection method: clinical testing. Allele origin: germline. Not counted in ClinVar's aggregate classification.
Comment: This variant is classified as likely benign based on ACMG/AMP sequence variant interpretation guidelines (Richards et al. 2015 PMID: 25741868, with internal and published modifications).